The following is an entry in ClinVar:

NM_000393.5(COL5A2):c.1307C>T (p.Ser436Phe)

Gene: COL5A2 (collagen type V alpha 2 chain; minus strand). Cytogenetic location: 2q32.2.
Variant type: single nucleotide variant.
Coding change: c.1307C>T on transcript NM_000393.5 (MANE Select); coding-DNA position 1307, C replaced by T.
Protein change: p.Ser436Phe; replaces serine 436 with phenylalanine.
Molecular consequence: missense variant.
Genome position (GRCh38, 1-based): chr2:189,068,109, G>A on the plus strand (C>T on the coding strand, the complement: COL5A2 is on the minus strand). VCF-style: chr2-189068109-G-A. GRCh37 (hg19) VCF-style: chr2-189932835-G-A.
Other names: p.Ser436Phe; short protein forms S436F.
Identifiers: ClinVar variation 1718664 (VCV001718664.7), dbSNP rs768584034, ClinGen allele CA2022740.

ClinVar aggregate classification (germline): Uncertain significance. Review status: criteria provided, multiple submitters, no conflicts (2 of 4 stars). 2 submissions from 2 submitters: Uncertain significance (2). Last evaluated 2023-09-26.

Conditions:
Ehlers-Danlos syndrome, classic type, 1 (EDSCL1). Also called: EDS I; Ehlers-Danlos syndrome, type 1; EHLERS-DANLOS SYNDROME, GRAVIS TYPE; EHLERS-DANLOS SYNDROME, SEVERE CLASSIC TYPE; Ehlers-Danlos Syndrome, Classic Type, COL5A1-Related. Identifiers: MedGen C0268335, MONDO:0019567, OMIM 130000.

Allele frequency attached by ClinVar (database versions not stated): TOPMed below 0.00001; gnomAD 0.00001; ExAC 0.00002; gnomAD exomes below 0.00001.
gnomAD v4.1: 4 of 1,613,212 alleles (0.00025%); highest among the groups gnomAD compares: Admixed American, 0.0033%; no homozygotes.

Submissions (2):

Mayo Clinic Laboratories, Mayo Clinic
Classification: Uncertain significance. Last evaluated: 2023-09-26. Review status: criteria provided, single submitter. Criteria: ACMG Guidelines, 2015. Collection method: clinical testing. Allele origin: germline. Observed: 1 variant allele.

Labcorp Genetics (formerly Invitae), Labcorp
Classification: Uncertain significance for Ehlers-Danlos syndrome, classic type, 1. Last evaluated: 2022-10-02. Review status: criteria provided, single submitter. Criteria: Invitae Variant Classification Sherloc (09022015). Collection method: clinical testing. Allele origin: germline.
Comment: In summary, the available evidence is currently insufficient to determine the role of this variant in disease. Therefore, it has been classified as a Variant of Uncertain Significance. Advanced modeling of protein sequence and biophysical properties (such as structural, functional, and spatial information, amino acid conservation, physicochemical variation, residue mobility, and thermodynamic stability) performed at Invitae indicates that this missense variant is not expected to disrupt COL5A2 protein function. This variant has not been reported in the literature in individuals affected with COL5A2-related conditions. This variant is present in population databases (rs768584034, gnomAD 0.003%). This sequence change replaces serine, which is neutral and polar, with phenylalanine, which is neutral and non-polar, at codon 436 of the COL5A2 protein (p.Ser436Phe).